The following is an entry in ClinVar:

NM_000212.3(ITGB3):c.187C>T (p.Arg63Cys)

Gene: ITGB3 (integrin subunit beta 3; plus strand). Cytogenetic location: 17q21.32.
Variant type: single nucleotide variant.
Coding change: c.187C>T on transcript NM_000212.3 (MANE Select); coding-DNA position 187, C replaced by T.
Protein change: p.Arg63Cys; replaces arginine 63 with cysteine.
Molecular consequence: missense variant.
Genome position (GRCh38, 1-based): chr17:47,283,375, C>T. VCF-style: chr17-47283375-C-T. GRCh37 (hg19) VCF-style: chr17-45360741-C-T.
Other names: short protein forms R63C.
Identifiers: ClinVar variation 631774 (VCV000631774.10), dbSNP rs199866795, ClinGen allele CA8622892.

ClinVar aggregate classification (germline): Likely pathogenic. Review status: reviewed by expert panel (3 of 4 stars). 3 submissions from 3 submitters: Likely pathogenic (1). 2 of the submissions do not count toward it. Last evaluated 2023-08-15.

Conditions:
Glanzmann thrombasthenia. Also called: BLEEDING DISORDER, PLATELET-TYPE, 2; THROMBASTHENIA OF GLANZMANN AND NAEGELI; Glanzmann's thrombasthenia; Thrombasthenia; PLATELET GLYCOPROTEIN IIb-IIIa DEFICIENCY. Identifiers: Orphanet 849, MedGen C0040015, MONDO:0100326.

Allele frequency attached by ClinVar (database versions not stated): gnomAD 0.00002; gnomAD exomes 0.00002 and 0.00003; ExAC 0.00003; TOPMed 0.00003.
gnomAD v4.1: 46 of 1,614,112 alleles (0.0028%); highest among the groups gnomAD compares: Non-Finnish European, 0.0034%; no homozygotes.

Submissions (3):

ClinGen Platelet Disorders Variant Curation Expert Panel, ClinGen
Classification: Likely pathogenic for Glanzmann thrombasthenia. Last evaluated: 2023-08-15. Review status: reviewed by expert panel. Criteria: ClinGen Platelet ACMG Specifications v2-1. Collection method: curation. Allele origin: germline. Inheritance: Autosomal recessive inheritance.
Comment: The missense variant, NM_000212.3(ITGB3):c.187C>T (p.Arg63Cys), has been reported in one compound heterozygous proband (PMID: 25728920) with Pathogenic variant NM_000212.2:c.505C>T Arg169Ter (PM3_supporting). The patient (GT7 in PMID: 25728920/Case 2 in PMID: 35286390) with this variant displayed mucocutaneous bleeding and impaired aggregation with all agonists except ristocetin, which is highly specific for Glanzmann thrombasthenia. Additionally, αIIbβ3 surface expression was reduced to 15% (<25%), as measured by flow cytometry (PP4_strong). It occurs at an extremely low frequency, with an overall allele frequency in gnomAD of 0.00002476 (MAF of 0.00005012 in the East Asian population; PM2_supporting). It is predicted damaging by in-silico tools (REVEL score of 0.98; PP3). In transiently transfected COS‐7 cells expressing Arg63Cys mutant integrin FACS analysis showed 85% reduction of αIIbβ3Cys63 expression (PS3_moderate). In summary, this variant meets the criteria to be classified as Likely Pathogenic for autosomal recessive Glanzmann Thrombasthenia based on the ACMG/AMP criteria applied, as specified by the ClinGen PD VCEP: PP4_strong, PM2_supporting, PM3_supporting, PP3, PS3_moderate (VCEP specifications version 2).

Labcorp Genetics (formerly Invitae), Labcorp
Classification: Uncertain significance. Last evaluated: 2025-06-27. Review status: criteria provided, single submitter. Criteria: Invitae Variant Classification Sherloc (09022015). Collection method: clinical testing. Allele origin: germline. Not counted in ClinVar's aggregate classification.
Comment: This sequence change replaces arginine, which is basic and polar, with cysteine, which is neutral and slightly polar, at codon 63 of the ITGB3 protein (p.Arg63Cys). This variant is present in population databases (rs199866795, gnomAD 0.005%). This missense change has been observed in individual(s) with Glanzmann thrombasthenia (PMID: 25728920). ClinVar contains an entry for this variant (Variation ID: 631774). Invitae Evidence Modeling of protein sequence and biophysical properties (such as structural, functional, and spatial information, amino acid conservation, physicochemical variation, residue mobility, and thermodynamic stability) indicates that this missense variant is expected to disrupt ITGB3 protein function with a positive predictive value of 95%. Experimental studies have shown that this missense change affects ITGB3 function (PMID: 25728920). In summary, the available evidence is currently insufficient to determine the role of this variant in disease. Therefore, it has been classified as a Variant of Uncertain Significance.

Women's Health and Genetics/Laboratory Corporation of America, LabCorp
Classification: Uncertain significance. Last evaluated: 2024-10-08. Review status: criteria provided, single submitter. Criteria: LabCorp Variant Classification Summary - May 2015. Collection method: clinical testing. Allele origin: germline. Not counted in ClinVar's aggregate classification.
Comment: Variant summary: ITGB3 c.187C>T (p.Arg63Cys) results in a non-conservative amino acid change located in the PSI domain (IPR016201) of the encoded protein sequence. Five of five in-silico tools predict a damaging effect of the variant on protein function. The variant allele was found at a frequency of 2e-05 in 251276 control chromosomes. c.187C>T has been reported in the literature in the compound heterozygous state in at least one individual affected with Glanzmann Thrombasthenia 2 (Nurden_2015). These data do not allow any conclusion about variant significance. At least one publication reports experimental evidence evaluating an impact on protein function. The most pronounced variant effect results in 15% of normal activity (Nurden_2015). The following publication have been ascertained in the context of this evaluation (PMID: 25728920). ClinVar contains an entry for this variant (Variation ID: 631774). Based on the evidence outlined above, the variant was classified as VUS-possibly pathogenic.

Literature cited by the submitters: PubMed 25728920 (cited by 3 submitters).